The following is an entry in ClinVar:

NM_000789.4(ACE):c.*709G>A

Gene: ACE (angiotensin I converting enzyme; plus strand). Cytogenetic location: 17q23.3.
Variant type: single nucleotide variant.
Coding change: c.*709G>A on transcript NM_000789.4 (MANE Select); 709 bases downstream of the stop codon, G replaced by A.
Molecular consequence: 3 prime UTR variant.
Genome position (GRCh38, 1-based): chr17:63,498,075, G>A. VCF-style: chr17-63498075-G-A. GRCh37 (hg19) VCF-style: chr17-61575436-G-A.
Other names: c.*709G>A (NM_001178057.2, NM_152830.3).
Identifiers: ClinVar variation 324434 (VCV000324434.5), dbSNP rs112901380, ClinGen allele CA10640169.

ClinVar aggregate classification (germline): Benign (1 of 4 stars; one submission).

Conditions:
Renal tubular dysgenesis. Also called: Renotubular dysgenesis. Identifiers: Orphanet 3033, MedGen C0266313, MONDO:0017609, HP:0008660.

Allele frequency attached by ClinVar (database versions not stated): 1000 Genomes Project 30x 0.00921; 1000 Genomes Project 0.01018; gnomAD exomes 0.01283; TOPMed 0.01671; gnomAD 0.01895 and 0.01965.
gnomAD v4.1: 2,777 of 146,446 alleles (1.9%); highest among the groups gnomAD compares: Middle Eastern, 2.7%; 45 homozygotes.

Submission:

Illumina Laboratory Services, Illumina
Classification: Benign for Renal tubular dysgenesis of genetic origin. Last evaluated: 2018-01-12. Review status: criteria provided, single submitter. Criteria: ICSL Variant Classification Criteria 13 December 2019. Collection method: clinical testing. Allele origin: germline.
Comment: This variant was observed in the ICSL laboratory as part of a predisposition screen in an ostensibly healthy population. It had not been previously curated by ICSL or reported in the Human Gene Mutation Database (HGMD: prior to June 1st, 2018), and was therefore a candidate for classification through an automated scoring system. Utilizing variant allele frequency, disease prevalence and penetrance estimates, and inheritance mode, an automated score was calculated to assess if this variant is too frequent to cause the disease. Based on the score and internal cut-off values, a variant classified as benign is not then subjected to further curation. The score for this variant resulted in a classification of benign for this disease.